The following is an entry in ClinVar:

ClinVar aggregate classification (germline): Benign. Review status: criteria provided, single submitter (1 of 4 stars). 2 submissions from 2 submitters: Benign (1). 1 of the submissions does not count toward it. Last evaluated 2026-01-30.

Conditions:
PHKA2-related disorder. Also called: PHKA2-related condition.
Glycogen storage disease IXa1. Also called: GLYCOGEN STORAGE DISEASE VIII; GSD VIII; Glycogen storage disease 8; LIVER GLYCOGENOSIS, X-LINKED, TYPE I. Identifiers: Orphanet 264580, MedGen C3694531, MONDO:0010598, OMIM 306000.

Allele frequency attached by ClinVar (database versions not stated): gnomAD exomes 0.00005; ExAC 0.00013; 1000 Genomes Project 0.00026; gnomAD 0.00029; TOPMed 0.00040; ESP Exome Variant Server 0.00047; 1000 Genomes Project 30x 0.00062.
gnomAD v4.1: 94 of 1,209,844 alleles (0.0078%); highest among the groups gnomAD compares: African/African-American, 0.099%; no homozygotes.

Submissions (2):

Labcorp Genetics (formerly Invitae), Labcorp
Classification: Benign for Glycogen storage disease IXa1. Last evaluated: 2026-01-30. Review status: criteria provided, single submitter. Criteria: Invitae Variant Classification Sherloc (09022015). Collection method: clinical testing. Allele origin: germline.

PreventionGenetics, part of Exact Sciences
Classification: Likely benign for PHKA2-related condition. Last evaluated: 2020-12-15. Review status: no assertion criteria provided. Collection method: clinical testing. Allele origin: germline. Not counted in ClinVar's aggregate classification.
Comment: This variant is classified as likely benign based on ACMG/AMP sequence variant interpretation guidelines (Richards et al. 2015 PMID: 25741868, with internal and published modifications).

NM_000292.3(PHKA2):c.3402C>T (p.Pro1134=)

Genes: PHKA2-AS1 (PHKA2 antisense RNA 1; plus strand), PHKA2 (phosphorylase kinase regulatory subunit alpha 2; minus strand). Cytogenetic location: Xp22.13.
Variant type: single nucleotide variant.
Coding change: c.3402C>T on transcript NM_000292.3 (MANE Select); coding-DNA position 3402, C replaced by T.
Protein change: p.Pro1134=; no amino-acid change (proline 1134 retained).
Molecular consequence: synonymous variant. On other transcripts: non-coding transcript variant (1).
Genome position (GRCh38, 1-based): chrX:18,894,339, G>A on the plus strand (C>T on the coding strand, the complement: PHKA2 is on the minus strand). VCF-style: chrX-18894339-G-A. GRCh37 (hg19) VCF-style: chrX-18912457-G-A.
Other names: c.3402C>T (NM_000292.2).
Identifiers: ClinVar variation 2740451 (VCV002740451.5), dbSNP rs149632860, ClinGen allele CA10361310.
Genomic context (GRCh38, chrX:18,894,339, plus strand): 5'-CTCCGTGTCCGAGAGCAGCGTCAGCACCATGATGGCTTCCACCAGCAGCTGCCGGTACTC[G>A]GGCTGCGGCACGCGGTTCAGCACCGATTCGACATGGACAGCAAACTTGATCTCATGCGGG-3'
Protein context (NP_000283.1, residues 1124-1144): VESVLNRVPQ[Pro1134=]EYRQLLVEAI